The following is an entry in ClinVar:

NM_020937.4(FANCM):c.197G>C (p.Arg66Pro)

Gene: FANCM (FA complementation group M; plus strand). Cytogenetic location: 14q21.2.
Variant type: single nucleotide variant.
Coding change: c.197G>C on transcript NM_020937.4 (MANE Select); coding-DNA position 197, G replaced by C.
Protein change: p.Arg66Pro; replaces arginine 66 with proline.
Molecular consequence: missense variant.
Genome position (GRCh38, 1-based): chr14:45,136,228, G>C. VCF-style: chr14-45136228-G-C. GRCh37 (hg19) VCF-style: chr14-45605431-G-C.
Other names: c.197G>C, p.Arg66Pro (NM_001308133.2, NM_001308134.2); short protein forms R66P.
Identifiers: ClinVar variation 4022802 (VCV004022802.1).
Genomic context (GRCh38, chr14:45,136,228, plus strand): 5'-CGGAGGCTCAGCTGGAGTCGGACGATGATGTGTTGCTTGTCGCGGCGTACGAGGCTGAGC[G>C]GCAGTTGTGTCTAGAGAATGGCGGGTTCTGCACCTCCGCGGGCGCCCTGTGGATTTACCC-3'
Protein context (NP_065988.1, residues 56-76): VLLVAAYEAE[Arg66Pro]QLCLENGGFC

ClinVar aggregate classification (germline): Uncertain significance (1 of 4 stars; one submission).

Conditions:
Inborn genetic diseases. Identifiers: MedGen C0950123, MeSH D030342.

Submission:

Ambry Genetics
Classification: Uncertain significance for Inborn genetic diseases. Last evaluated: 2025-05-21. Review status: criteria provided, single submitter. Criteria: Ambry Variant Classification Scheme 2023. Collection method: clinical testing. Allele origin: germline.
Comment: The p.R66P variant (also known as c.197G>C), located in coding exon 1 of the FANCM gene, results from a G to C substitution at nucleotide position 197. The arginine at codon 66 is replaced by proline, an amino acid with dissimilar properties. This amino acid position is conserved. In addition, this alteration is predicted to be tolerated by in silico analysis. Based on the available evidence, the clinical significance of this variant remains unclear.